The following is an entry in ClinVar:

NM_000431.4(MVK):c.625A>G (p.Thr209Ala)

Gene: MVK (mevalonate kinase; plus strand). Cytogenetic location: 12q24.11.
Variant type: single nucleotide variant.
Coding change: c.625A>G on transcript NM_000431.4 (MANE Select); coding-DNA position 625, A replaced by G.
Protein change: p.Thr209Ala; replaces threonine 209 with alanine.
Molecular consequence: missense variant.
Genome position (GRCh38, 1-based): chr12:109,586,119, A>G. VCF-style: chr12-109586119-A-G. GRCh37 (hg19) VCF-style: chr12-110023924-A-G.
Other names: c.625A>G, p.Thr209Ala (NM_001114185.3); c.469A>G, p.Thr157Ala (NM_001301182.2); short protein forms T209A, T157A.
Identifiers: ClinVar variation 97604 (VCV000097604.1), dbSNP rs104895302, ClinGen allele CA149861.
Genomic context (GRCh38, chr12:109,586,119, plus strand): 5'-GCCTTCCAAGGGGAGAGAATGATTCACGGGAACCCCTCCGGAGTGGACAATGCTGTCAGC[A>G]CCTGGGGTAGGTGTGGCCTCAGGTTTATTTTATTGTTGTTATTTTAAAAATTCTTATTAC-3'
Protein context (NP_000422.1, residues 199-219): NPSGVDNAVS[Thr209Ala]WGGALRYHQG

ClinVar aggregate classification (germline): not provided (0 of 4 stars; one submission).

Conditions:
Hyperimmunoglobulin D with periodic fever (HIDS). Also called: HYPERIMMUNOGLOBULINEMIA D AND PERIODIC FEVER SYNDROME; Hyperimmunoglobulinemia D; Hyperimmunoglobulinemia D with periodic fever. Identifiers: Orphanet 343, MedGen C0398691, MONDO:0009849, OMIM 260920.

Allele frequency attached by ClinVar (database versions not stated): gnomAD exomes below 0.00001; ExAC 0.00001.
gnomAD v4.1: 1 of 1,613,100 alleles (0.000062%); highest among the groups gnomAD compares: Non-Finnish European, 0.000085%; no homozygotes.

Submission:

Unité médicale des maladies autoinflammatoires, CHRU Montpellier
No classification provided. Condition: Hyperimmunoglobulin D with periodic fever. Review status: no classification provided. Collection method: not provided. Allele origin: unknown.
Comment: also involved in OMIM 25117